The following is an entry in ClinVar:

ClinVar aggregate classification (germline): Uncertain significance. Review status: criteria provided, multiple submitters, no conflicts (2 of 4 stars). 2 submissions from 2 submitters: Uncertain significance (2). Last evaluated 2025-08-27.

Conditions:
PKD1L1-related disorder. Also called: PKD1L1-related condition.
Inborn genetic diseases. Identifiers: MedGen C0950123, MeSH D030342.

gnomAD v4.1: 9 of 1,613,900 alleles (0.00056%); highest among the groups gnomAD compares: Admixed American, 0.015%; no homozygotes.

Submissions (2):

PreventionGenetics, part of Exact Sciences
Classification: Uncertain significance for PKD1L1-related condition. Last evaluated: 2025-08-27. Review status: criteria provided, single submitter. Criteria: ACMG Guidelines, 2015. Collection method: clinical testing. Allele origin: germline.
Comment: The PKD1L1 c.3641T>C variant is predicted to result in the amino acid substitution p.Val1214Ala. To our knowledge, this variant has not been reported in the literature. This variant is reported in 0.023% of alleles in individuals of Latino descent in gnomAD. At this time, the clinical significance of this variant is uncertain due to the absence of conclusive functional and genetic evidence.

Ambry Genetics
Classification: Uncertain significance for Inborn genetic diseases. Last evaluated: 2025-06-11. Review status: criteria provided, single submitter. Criteria: Ambry Variant Classification Scheme 2023. Collection method: clinical testing. Allele origin: germline.

NM_138295.5(PKD1L1):c.3641T>C (p.Val1214Ala)

Gene: PKD1L1 (polycystin 1 like 1, transient receptor potential channel interacting; minus strand). Cytogenetic location: 7p12.3.
Variant type: single nucleotide variant.
Coding change: c.3641T>C on transcript NM_138295.5 (MANE Select); coding-DNA position 3641, T replaced by C.
Protein change: p.Val1214Ala; replaces valine 1214 with alanine.
Molecular consequence: missense variant.
Genome position (GRCh38, 1-based): chr7:47,877,511, A>G on the plus strand (T>C on the coding strand, the complement: PKD1L1 is on the minus strand). VCF-style: chr7-47877511-A-G. GRCh37 (hg19) VCF-style: chr7-47917109-A-G.
Other names: short protein forms V1214A.
Identifiers: ClinVar variation 3932887 (VCV003932887.2).
Genomic context (GRCh38, chr7:47,877,511, plus strand): 5'-GGGGGTCTCTCAGGACAGACATGGGGTTGTCCACGTACCGGTTTTCCAGACATGCAGAAG[A>G]CACTGAAGACGGTGTGTGCTTCCAGACCATGGTGGGGCTGCACCTGACAGGCCATGTCCC-3'
Protein context (NP_612152.1, residues 1204-1224): HGLEAHTVFS[Val1214Ala]FCMSGKPDFH